The following is an entry in ClinVar:

NM_001807.6(CEL):c.2029G>T (p.Gly677Trp)

Gene: CEL (carboxyl ester lipase; plus strand). Cytogenetic location: 9q34.13.
Variant type: single nucleotide variant.
Coding change: c.2029G>T on transcript NM_001807.6 (MANE Select); coding-DNA position 2029, G replaced by T.
Protein change: p.Gly677Trp; replaces glycine 677 with tryptophan.
Molecular consequence: missense variant.
Genome position (GRCh38, 1-based): chr9:133,071,531, G>T. VCF-style: chr9-133071531-G-T. GRCh37 (hg19) VCF-style: chr9-135946918-G-T.
Other names: short protein forms G677W.
Identifiers: ClinVar variation 1032004 (VCV001032004.1), dbSNP rs984492184, ClinGen allele CA375403383.

ClinVar aggregate classification (germline): Uncertain significance (1 of 4 stars; one submission).

Conditions:
Maturity-onset diabetes of the young type 8 (MODY8). Also called: DIABETES-PANCREATIC EXOCRINE DYSFUNCTION SYNDROME; DIABETES AND PANCREATIC EXOCRINE DYSFUNCTION. Identifiers: Orphanet 552, MedGen C1853297, MONDO:0012348, OMIM 609812.

Submission:

Baylor Genetics
Classification: Uncertain significance for Maturity-onset diabetes of the young type 8. Last evaluated: 2018-06-05. Review status: criteria provided, single submitter. Criteria: ACMG Guidelines, 2015. Collection method: clinical testing. Allele origin: maternal. Affected: yes.
Comment: This variant was determined to be of uncertain significance according to ACMG Guidelines, 2015 [PMID:25741868].